The following is an entry in ClinVar:

NM_001378026.1(NBEAL1):c.6327T>C (p.Tyr2109=)

Gene: NBEAL1 (neurobeachin like 1; plus strand). Cytogenetic location: 2q33.2.
Variant type: single nucleotide variant.
Coding change: c.6327T>C on transcript NM_001378026.1 (MANE Select); coding-DNA position 6327, T replaced by C.
Protein change: p.Tyr2109=; no amino-acid change (tyrosine 2109 retained).
Molecular consequence: synonymous variant.
Genome position (GRCh38, 1-based): chr2:203,175,150, T>C. VCF-style: chr2-203175150-T-C. GRCh37 (hg19) VCF-style: chr2-204039873-T-C.
Other names: c.6240T>C, p.Tyr2080= (NM_001114132.2).
Identifiers: ClinVar variation 2651830 (VCV002651830.24), dbSNP rs1013940229, ClinGen allele CA64103400.

ClinVar aggregate classification (germline): Likely benign (1 of 4 stars; one submission).

Allele frequency attached by ClinVar (database versions not stated): gnomAD 0.00001; TOPMed 0.00001; gnomAD exomes 0.00003.
gnomAD v4.1: 20 of 1,609,606 alleles (0.0012%); highest among the groups gnomAD compares: East Asian, 0.0022%; no homozygotes.

Submission:

CeGaT Center for Human Genetics Tuebingen
Classification: Likely benign. Last evaluated: 2022-06-01. Review status: criteria provided, single submitter. Criteria: CeGaT Center For Human Genetics Tuebingen Variant Classification Criteria Version 2. Collection method: clinical testing. Allele origin: germline. Affected: yes. Observed: 1 variant allele.
Comment: NBEAL1: BP4, BP7